The following is an entry in ClinVar:

ClinVar aggregate classification (germline): Uncertain significance (1 of 4 stars; one submission).

Conditions:
Gorlin syndrome. Also called: Nevoid Basal Cell Carcinoma Syndrome; Basal cell nevus syndrome. Identifiers: Orphanet 377, MedGen C0004779, MONDO:0007187.

Submission:

Labcorp Genetics (formerly Invitae), Labcorp
Classification: Uncertain significance for Gorlin syndrome. Last evaluated: 2024-10-30. Review status: criteria provided, single submitter. Criteria: Invitae Variant Classification Sherloc (09022015). Collection method: clinical testing. Allele origin: germline.
Comment: This sequence change replaces serine, which is neutral and polar, with threonine, which is neutral and polar, at codon 660 of the PTCH1 protein (p.Ser660Thr). This variant is not present in population databases (gnomAD no frequency). This variant has not been reported in the literature in individuals affected with PTCH1-related conditions. ClinVar contains an entry for this variant (Variation ID: 1464255). Invitae Evidence Modeling of protein sequence and biophysical properties (such as structural, functional, and spatial information, amino acid conservation, physicochemical variation, residue mobility, and thermodynamic stability) indicates that this missense variant is not expected to disrupt PTCH1 protein function with a negative predictive value of 95%. In summary, the available evidence is currently insufficient to determine the role of this variant in disease. Therefore, it has been classified as a Variant of Uncertain Significance.

NM_000264.5(PTCH1):c.1978T>A (p.Ser660Thr)

Genes: PTCH1 (patched 1; minus strand), LOC100507346 (uncharacterized LOC100507346; plus strand). Cytogenetic location: 9q22.32.
Variant type: single nucleotide variant.
Coding change: c.1978T>A on transcript NM_000264.5 (MANE Select); coding-DNA position 1978, T replaced by A.
Protein change: p.Ser660Thr; replaces serine 660 with threonine.
Molecular consequence: missense variant. On other transcripts: non-coding transcript variant (2).
Genome position (GRCh38, 1-based): chr9:95,469,023, A>T on the plus strand (T>A on the coding strand, the complement: PTCH1 is on the minus strand). VCF-style: chr9-95469023-A-T. GRCh37 (hg19) VCF-style: chr9-98231305-A-T.
Other names: c.1780T>A, p.Ser594Thr (NM_001083602.3); c.1975T>A, p.Ser659Thr (NM_001083603.3); c.1525T>A, p.Ser509Thr (NM_001083604.3, NM_001083605.3, NM_001083606.3 and 1 more transcripts); c.1822T>A, p.Ser608Thr (NM_001354918.2); short protein forms S594T, S608T, S509T, S659T, S660T.
Identifiers: ClinVar variation 1464255 (VCV001464255.6), dbSNP rs2118048874, ClinGen allele CA374115910.